The following is an entry in ClinVar:

ClinVar aggregate classification (germline): Uncertain significance (1 of 4 stars; one submission).

Conditions:
Leigh syndrome (NULS). Also called: Leigh's necrotizing encephalopathy; Leigh's disease; Leigh Syndrome (mtDNA deletion); Leigh Disease; Subacute necrotizing encephalopathy; Necrotizing encephalopathy infantile subacute of Leigh. Identifiers: Orphanet 506, MedGen C2931891, MONDO:0009723, OMIM 256000.

Submission:

Wong Mito Lab, Molecular and Human Genetics, Baylor College of Medicine
Classification: Uncertain significance for Leigh syndrome. Last evaluated: 2019-10-17. Review status: criteria provided, single submitter. Criteria: Modified ACMG Guidelines (Unpublished). Collection method: clinical testing. Allele origin: germline.
Comment: The NC_012920.1:m.4548T>C (YP_003024027.1:p.Phe27Leu) variant in MTND2 gene is interpretated to be a Uncertain Significance variant based on the modified ACMG guidelines (unpublished). This variant meets the following evidence codes: BP4

NC_012920.1(MT-ND2):m.4548T>C

Gene: MT-ND2 (mitochondrially encoded NADH dehydrogenase 2; plus strand).
Variant type: single nucleotide variant.
Genome position: chrM-4548-T-C.
Identifiers: ClinVar variation 692460 (VCV000692460.1), dbSNP rs1603219503, ClinGen allele CA414774712.